The following is an entry in ClinVar:

ClinVar aggregate classification (germline): Uncertain significance (1 of 4 stars; one submission).

Conditions:
Amyloidosis, hereditary systemic 1 (AMYLD1). Also called: AMYLOID CARDIOMYOPATHY; Hereditary Transthyretin Amyloidosis; Isolated Cardiac Amyloidosis; Amyloid Cardiomyopathy, Transthyretin-related; Familial amyloid polyneuropathy; Transthyretin Amyloidosis. Identifiers: Orphanet 85447, Orphanet 85451, MedGen C2751492, MONDO:0971004, OMIM 105210.

Allele frequency attached by ClinVar (database versions not stated): TOPMed below 0.00001.

Submission:

Labcorp Genetics (formerly Invitae), Labcorp
Classification: Uncertain significance for Amyloidosis, hereditary systemic 1. Last evaluated: 2019-12-12. Review status: criteria provided, single submitter. Criteria: Invitae Variant Classification Sherloc (09022015). Collection method: clinical testing. Allele origin: germline.
Comment: This sequence change replaces threonine with isoleucine at codon 25 of the TTR protein (p.Thr25Ile). The threonine residue is weakly conserved and there is a moderate physicochemical difference between threonine and isoleucine. In summary, the available evidence is currently insufficient to determine the role of this variant in disease. Therefore, it has been classified as a Variant of Uncertain Significance. Algorithms developed to predict the effect of missense changes on protein structure and function are either unavailable or do not agree on the potential impact of this missense change (SIFT: "Not Available"; PolyPhen-2: "Benign"; Align-GVGD: "Not Available"). This variant has not been reported in the literature in individuals with TTR-related conditions. This variant is not present in population databases (ExAC no frequency).

NM_000371.4(TTR):c.74C>T (p.Thr25Ile)

Gene: TTR (transthyretin; plus strand). Cytogenetic location: 18q12.1.
Variant type: single nucleotide variant.
Coding change: c.74C>T on transcript NM_000371.4 (MANE Select); coding-DNA position 74, C replaced by T.
Protein change: p.Thr25Ile; replaces threonine 25 with isoleucine.
Molecular consequence: missense variant.
Genome position (GRCh38, 1-based): chr18:31,592,900, C>T. VCF-style: chr18-31592900-C-T. GRCh37 (hg19) VCF-style: chr18-29172863-C-T.
Other names: short protein forms T25I.
Identifiers: ClinVar variation 856655 (VCV000856655.8), dbSNP rs2073492897, ClinGen allele CA402156442.